The following is an entry in ClinVar:

NM_003995.4(NPR2):c.2182G>A (p.Gly728Ser)

Gene: NPR2 (natriuretic peptide receptor 2; plus strand). Cytogenetic location: 9p13.3.
Variant type: single nucleotide variant.
Coding change: c.2182G>A on transcript NM_003995.4 (MANE Select); coding-DNA position 2182, G replaced by A.
Protein change: p.Gly728Ser; replaces glycine 728 with serine.
Molecular consequence: missense variant.
Genome position (GRCh38, 1-based): chr9:35,805,964, G>A. VCF-style: chr9-35805964-G-A. GRCh37 (hg19) VCF-style: chr9-35805961-G-A.
Other names: c.2191G>A, p.Gly731Ser (NM_001378923.1); short protein forms G728S, G731S.
Identifiers: ClinVar variation 5019688 (VCV005019688.2).

ClinVar aggregate classification (germline): Uncertain significance (1 of 4 stars; one submission).

Conditions:
Acromesomelic dysplasia 1, Maroteaux type (AMD1). Also called: ST. HELENA DYSPLASIA; ACROMESOMELIC DYSPLASIA 1. Identifiers: Orphanet 40, MedGen C1864356, MONDO:0011275, OMIM 602875.
Short stature with nonspecific skeletal abnormalities 1 (SNSK1). Identifiers: MedGen CN379227, MONDO:0014551, OMIM 616255.
Tall stature-scoliosis-macrodactyly of the great toes syndrome. Also called: Epiphyseal chondrodysplasia, miura type. Identifiers: Orphanet 329191, MedGen C4014690, MONDO:0014401, OMIM 615923.

Submission:

Juno Genomics, Hangzhou Juno Genomics, Inc
Classification: Uncertain significance for Acromesomelic dysplasia 1, Maroteaux type; Tall stature-scoliosis-macrodactyly of the great toes syndrome; Short stature with nonspecific skeletal abnormalities 1. Review status: criteria provided, single submitter. Criteria: ACMG Guidelines, 2015. Collection method: clinical testing. Allele origin: germline.
Comment: Absent from controls (or at extremely low frequency if recessive) in Genome Aggregation Database.;Multiple lines of computational evidence suggest no impact on gene or gene product.;Missense variant in a gene that has a low rate of benign missense variation.